The following is an entry in ClinVar:

ClinVar aggregate classification (germline): Conflicting classifications of pathogenicity. Review status: criteria provided, conflicting classifications (1 of 4 stars). 9 submissions from 9 submitters: Uncertain significance (5); Benign (1); Likely benign (2). 1 of the submissions does not count toward it. Last evaluated 2026-01-28.

Conditions:
Cardiovascular phenotype. Identifiers: MedGen CN230736.
Familial isolated arrhythmogenic right ventricular dysplasia. Identifiers: Orphanet 217656, MedGen C4274968, MONDO:0016342.
Cardiomyopathy (CMYO). Also called: Cardiomyopathies. Identifiers: Orphanet 167848, MedGen C0878544, MONDO:0004994, HP:0001638. Inheritance: Various modes of inheritance.
Arrhythmogenic right ventricular cardiomyopathy (ARVD). Also called: Arrhythmogenic Right Ventricular Cardiomyopathy (ARVC); Cardiomyopathy, ARVC; Arrhythmogenic right ventricular dysplasia; Arrhythmogenic cardiomyopathy. Identifiers: Orphanet 247, MedGen C0349788, MeSH D019571, MONDO:0016587. Disease mechanism: loss of function. Inheritance: Various modes of inheritance.
Arrhythmogenic right ventricular dysplasia 11. Also called: ARRHYTHMOGENIC RIGHT VENTRICULAR DYSPLASIA, FAMILIAL, 11; Arrhythmogenic Right Ventricular Dysplasia/Cardiomyopathy11; Arrhythmogenic right ventricular dysplasia 11 with mild palmoplantar keratoderma and woolly hair. Identifiers: MedGen C1864850, MONDO:0012506, OMIM 610476.

Allele frequency attached by ClinVar (database versions not stated): TOPMed 0.00014; ExAC 0.00008; gnomAD 0.00016 and 0.00017; 1000 Genomes Project 0.00020; 1000 Genomes Project 30x 0.00031; gnomAD exomes 0.00004 and 0.00009; ESP Exome Variant Server 0.00023.
gnomAD v4.1: 82 of 1,613,976 alleles (0.0051%); highest among the groups gnomAD compares: African/African-American, 0.048%; no homozygotes.

Submissions (9):

Labcorp Genetics (formerly Invitae), Labcorp
Classification: Likely benign for Arrhythmogenic right ventricular dysplasia 11. Last evaluated: 2026-01-28. Review status: criteria provided, single submitter. Criteria: Invitae Variant Classification Sherloc (09022015). Collection method: clinical testing. Allele origin: germline.

Dasa
Classification: Uncertain significance. Last evaluated: 2025-11-07. Review status: criteria provided, single submitter. Criteria: DASA Assertion Criteria. Collection method: clinical testing. Allele origin: germline.
Comment: NM_024422.6(DSC2):c.2471C>T (p.Ser824Leu) is a missense variant that results in the substitution of serine with leucine. This variant is rare in population databases. The currently available literature and clinical evidence are not sufficient to establish a definitive association between this variant and the reported condition. Therefore, this variant is classified as a variant of uncertain significance.

Women's Health and Genetics/Laboratory Corporation of America, LabCorp
Classification: Likely benign. Last evaluated: 2024-12-18. Review status: criteria provided, single submitter. Criteria: LabCorp Variant Classification Summary - May 2015. Collection method: clinical testing. Allele origin: germline.
Comment: Variant summary: DSC2 c.2471C>T (p.Ser824Leu) results in a non-conservative amino acid change in the encoded protein sequence. Five of five in-silico tools predict a damaging effect of the variant on protein function. The variant allele was found at a frequency of 9.2e-05 in 251032 control chromosomes, predominantly at a frequency of 0.00074 within the African or African-American subpopulation in the gnomAD database. The observed variant frequency within African or African-American control individuals in the gnomAD database is approximately 30 fold of the estimated maximal expected allele frequency for a pathogenic variant in DSC2 causing Cardiomyopathy phenotype (2.5e-05). To our knowledge, no experimental evidence demonstrating its impact on protein function have been reported. ClinVar contains an entry for this variant (Variation ID: 161223). Based on the evidence outlined above, the variant was classified as likely benign.

All of Us Research Program, National Institutes of Health
Classification: Uncertain significance for Familial isolated arrhythmogenic right ventricular dysplasia. Last evaluated: 2024-08-06. Review status: criteria provided, single submitter. Criteria: ACMG Guidelines, 2015. Collection method: clinical testing. Allele origin: germline. Inheritance: Autosomal dominant inheritance. Observed: 17 variant alleles, 17 heterozygotes.
Comment: This missense variant replaces serine with leucine at codon 824 of the DSC2 protein. Computational prediction is inconclusive regarding the impact of this variant on protein structure and function (internally defined REVEL score threshold 0.5 < inconclusive < 0.7, PMID: 27666373). To our knowledge, functional studies have not been reported for this variant. This variant has been reported in two individuals affected with arrhythmogenic right ventricular cardiomyopathy (PMID: 20864495, 24832006). This variant was also detected in a post-mortem heart tissue sample from an individual with clinical diagnosis of arrhythmogenic right ventricular cardiomyopathy (PMID: 24832006). This variant has also been identified in 29/282414 chromosomes (18/24954 African chromosomes) in the general population by the Genome Aggregation Database (gnomAD). The available evidence is insufficient to determine the role of this variant in disease conclusively. Therefore, this variant is classified as a Variant of Uncertain Significance.

This study involves interpretation of variants in research participants for the purpose of population health screening. Participant phenotype was not available at the time of variant classification. Additional details can be found in publication PMID: 35346344, PMCID: PMC8962531

Color Diagnostics, LLC DBA Color Health
Classification: Uncertain significance for Cardiomyopathy. Last evaluated: 2024-07-10. Review status: criteria provided, single submitter. Criteria: ACMG Guidelines, 2015. Collection method: clinical testing. Allele origin: germline.
Comment: This missense variant replaces serine with leucine at codon 824 of the DSC2 protein. Computational prediction is inconclusive regarding the impact of this variant on protein structure and function (internally defined REVEL score threshold 0.5 < inconclusive < 0.7, PMID: 27666373). To our knowledge, functional studies have not been reported for this variant. This variant has been reported in an individual affected with arrhythmogenic right ventricular cardiomyopathy (PMID: 20864495). This variant was also detected in a post-mortem heart tissue sample from an individual with clinical diagnosis of arrhythmogenic right ventricular cardiomyopathy (PMID: 24832006). This variant has also been identified in 29/282414 chromosomes (18/24954 African chromosomes) in the general population by the Genome Aggregation Database (gnomAD). The available evidence is insufficient to determine the role of this variant in disease conclusively. Therefore, this variant is classified as a Variant of Uncertain Significance.

Ambry Genetics
Classification: Benign for Cardiovascular phenotype. Last evaluated: 2023-04-18. Review status: criteria provided, single submitter. Criteria: Ambry Variant Classification Scheme 2023. Collection method: clinical testing. Allele origin: germline.

Department of Genetics, Sultan Qaboos University Hospital
Classification: Uncertain significance for Arrhythmogenic right ventricular dysplasia 11. Last evaluated: 2017-12-30. Review status: criteria provided, single submitter. Criteria: ACMG Guidelines, 2015. Collection method: curation. Allele origin: unknown. Affected: yes.

Genomic Diagnostic Laboratory, Division of Genomic Diagnostics, Children's Hospital of Philadelphia
Classification: Uncertain significance for Arrhythmogenic right ventricular cardiomyopathy. Last evaluated: 2015-11-30. Review status: criteria provided, single submitter. Criteria: DGD Variant Analysis Guidelines. Collection method: clinical testing. Allele origin: unknown.

CSER _CC_NCGL, University of Washington
Classification: Uncertain significance for Arrhythmogenic right ventricular cardiomyopathy. Last evaluated: 2014-06-01. Review status: no assertion criteria provided. Collection method: research. Allele origin: germline. Inheritance: Autosomal dominant inheritance. Study: ESP 6500 variant annotation. Not counted in ClinVar's aggregate classification.
Comment: Variants classified for the Actionable exomic incidental findings in 6503 participants: challenges of variant classification manuscript

Literature cited by the submitters: PubMed 20864495 (cited by 3 submitters); PubMed 24832006 (cited by 3 submitters); PubMed 23299917 (cited by Ambry Genetics); PubMed 26332594 (cited by Ambry Genetics); PubMed 34426522 (cited by Ambry Genetics).

NM_024422.6(DSC2):c.2471C>T (p.Ser824Leu)

Gene: DSC2 (desmocollin 2; minus strand). Cytogenetic location: 18q12.1.
Variant type: single nucleotide variant.
Coding change: c.2471C>T on transcript NM_024422.6 (MANE Select); coding-DNA position 2471, C replaced by T.
Protein change: p.Ser824Leu; replaces serine 824 with leucine.
Molecular consequence: missense variant.
Genome position (GRCh38, 1-based): chr18:31,068,931, G>A on the plus strand (C>T on the coding strand, the complement: DSC2 is on the minus strand). VCF-style: chr18-31068931-G-A. GRCh37 (hg19) VCF-style: chr18-28648897-G-A.
Other names: c.2471C>T, p.Ser824Leu (NM_004949.5); c.2471C>T (LRG_400t1); short protein forms S824L.
Identifiers: ClinVar variation 161223 (VCV000161223.28), dbSNP rs143413607, ClinGen allele CA022737.